The following is an entry in ClinVar:

ClinVar aggregate classification (germline): Likely benign (1 of 4 stars; one submission).

gnomAD v4.1: 279 of 1,597,056 alleles (0.017%); highest among the groups gnomAD compares: African/African-American, 0.078%; no homozygotes.

Submission:

CeGaT Center for Human Genetics Tuebingen
Classification: Likely benign. Last evaluated: 2025-08-01. Review status: criteria provided, single submitter. Criteria: CeGaT Center For Human Genetics Tuebingen Variant Classification Criteria Version 2. Collection method: clinical testing. Allele origin: germline. Affected: yes. Observed: 1 variant allele.
Comment: PLXNB2: BP4, BP7

NM_012401.4(PLXNB2):c.2724G>A (p.Ala908=)

Genes: PLXNB2 (plexin B2; minus strand), LOC126863184 (MED14-independent group 3 enhancer GRCh37_chr22:50720546-50721745; plus strand). Cytogenetic location: 22q13.33.
Variant type: single nucleotide variant.
Coding change: c.2724G>A on transcript NM_012401.4 (MANE Select); coding-DNA position 2724, G replaced by A.
Protein change: p.Ala908=; no amino-acid change (alanine 908 retained).
Molecular consequence: synonymous variant.
Genome position (GRCh38, 1-based): chr22:50,283,142, C>T on the plus strand (G>A on the coding strand, the complement: PLXNB2 is on the minus strand). VCF-style: chr22-50283142-C-T. GRCh37 (hg19) VCF-style: chr22-50721571-C-T.
Other names: c.2724G>A, p.Ala908= (NM_001376864.1, NM_001376866.1, NM_001376877.1 and 18 more transcripts); c.2793G>A, p.Ala931= (NM_001376865.1); c.2631G>A, p.Ala877= (NM_001376886.1).
Identifiers: ClinVar variation 4083826 (VCV004083826.8).